The following is an entry in ClinVar:

ClinVar aggregate classification (germline): Uncertain significance (1 of 4 stars; one submission).

gnomAD v4.1: 1 of 1,613,710 alleles (0.000062%); highest among the groups gnomAD compares: African/African-American, 0.0013%; no homozygotes.

Submission:

Labcorp Genetics (formerly Invitae), Labcorp
Classification: Uncertain significance. Last evaluated: 2025-11-27. Review status: criteria provided, single submitter. Criteria: Invitae Variant Classification Sherloc (09022015). Collection method: clinical testing. Allele origin: germline.
Comment: This sequence change replaces glutamine, which is neutral and polar, with histidine, which is basic and polar, at codon 60 of the FLVCR2 protein (p.Gln60His). This variant is not present in population databases (gnomAD no frequency). This variant has not been reported in the literature in individuals affected with FLVCR2-related conditions. An algorithm developed to predict the effect of missense changes on protein structure and function outputs the following: PolyPhen-2: "Benign". The histidine amino acid residue is found in multiple mammalian species, which suggests that this missense change does not adversely affect protein function. In summary, the available evidence is currently insufficient to determine the role of this variant in disease. Therefore, it has been classified as a Variant of Uncertain Significance.

NM_017791.3(FLVCR2):c.180A>T (p.Gln60His)

Genes: FLVCR2 (FLVCR choline and putative heme transporter 2; plus strand), FLVCR2-AS1 (FLVCR2 antisense RNA 1; minus strand). Cytogenetic location: 14q24.3.
Variant type: single nucleotide variant.
Coding change: c.180A>T on transcript NM_017791.3 (MANE Select); coding-DNA position 180, A replaced by T.
Protein change: p.Gln60His; replaces glutamine 60 with histidine.
Molecular consequence: missense variant. On other transcripts: non-coding transcript variant (1).
Genome position (GRCh38, 1-based): chr14:75,579,152, A>T. VCF-style: chr14-75579152-A-T. GRCh37 (hg19) VCF-style: chr14-76045495-A-T.
Other names: short protein forms Q60H.
Identifiers: ClinVar variation 4763959 (VCV004763959.1).